The following is an entry in ClinVar:

ClinVar aggregate classification (germline): Uncertain significance (1 of 4 stars; one submission).

Conditions:
Intellectual disability, autosomal recessive 53 (NEDHSCA). Also called: GLYCOSYLPHOSPHATIDYLINOSITOL BIOSYNTHESIS DEFECT 13; Mental retardation, autosomal recessive 53; NEURODEVELOPMENTAL DISORDER WITH OR WITHOUT HYPOTONIA, SEIZURES, AND CEREBELLAR ATROPHY. Identifiers: Orphanet 488635, MedGen C4310794, MONDO:0014832, OMIM 616917.

Allele frequency attached by ClinVar (database versions not stated): gnomAD 0.00001; gnomAD exomes 0.00002 and 0.00006; TOPMed 0.00003; ExAC 0.00006; 1000 Genomes Project 30x 0.00016; 1000 Genomes Project 0.00020.
gnomAD v4.1: 35 of 1,614,154 alleles (0.0022%); highest among the groups gnomAD compares: South Asian, 0.027%; no homozygotes.

Submission:

Labcorp Genetics (formerly Invitae), Labcorp
Classification: Uncertain significance for Intellectual disability, autosomal recessive 53. Last evaluated: 2024-03-04. Review status: criteria provided, single submitter. Criteria: Invitae Variant Classification Sherloc (09022015). Collection method: clinical testing. Allele origin: germline.
Comment: This sequence change replaces alanine, which is neutral and non-polar, with valine, which is neutral and non-polar, at codon 517 of the PIGG protein (p.Ala517Val). This variant is present in population databases (rs556431524, gnomAD 0.04%). This variant has not been reported in the literature in individuals affected with PIGG-related conditions. ClinVar contains an entry for this variant (Variation ID: 941562). Advanced modeling of protein sequence and biophysical properties (such as structural, functional, and spatial information, amino acid conservation, physicochemical variation, residue mobility, and thermodynamic stability) performed at Invitae indicates that this missense variant is not expected to disrupt PIGG protein function with a negative predictive value of 80%. In summary, the available evidence is currently insufficient to determine the role of this variant in disease. Therefore, it has been classified as a Variant of Uncertain Significance.

NM_001127178.3(PIGG):c.1550C>T (p.Ala517Val)

Gene: PIGG (phosphatidylinositol glycan anchor biosynthesis class G (EMM blood group); plus strand). Cytogenetic location: 4p16.3.
Variant type: single nucleotide variant.
Coding change: c.1550C>T on transcript NM_001127178.3 (MANE Select); coding-DNA position 1550, C replaced by T.
Protein change: p.Ala517Val; replaces alanine 517 with valine.
Molecular consequence: missense variant. On other transcripts: 3 prime UTR variant (2), non-coding transcript variant (10).
Genome position (GRCh38, 1-based): chr4:521,877, C>T. VCF-style: chr4-521877-C-T. GRCh37 (hg19) VCF-style: chr4-515666-C-T.
Other names: c.1283C>T, p.Ala428Val (NM_001289051.2, NM_001289053.2, NM_001345986.2); c.1151C>T, p.Ala384Val (NM_001289052.2); c.*112C>T (NM_001289055.2); c.*165C>T (NM_001289057.2); c.1259C>T, p.Ala420Val (NM_001345987.2); c.521C>T, p.Ala174Val (NM_001345988.2); c.1550C>T, p.Ala517Val (NM_001345989.2); c.17C>T, p.Ala6Val (NM_001345990.2, NM_001345991.2); and 2 more; short protein forms A151V, A420V, A517V, A6V, A428V, A509V, A384V, A174V.
Identifiers: ClinVar variation 941562 (VCV000941562.10), dbSNP rs556431524, ClinGen allele CA2793346.
Genomic context (GRCh38, chr4:521,877, plus strand): 5'-CGTGCTACTTCTGTGGCCTCTCGTGGCTGGCGGCAGGTGGGGTGATGGTGCTGGCCTCGG[C>T]GCTGCTGTGTGTGATTGTGTCTGTTCTGACCAACGTGCTCGTGGGTGGAAACACCCCAAG-3'
Protein context (NP_001120650.1, residues 507-527): AAGGVMVLAS[Ala517Val]LLCVIVSVLT